The following is an entry in ClinVar:

ClinVar aggregate classification (germline): Uncertain significance (1 of 4 stars; one submission).

Conditions:
Ataxia-telangiectasia syndrome (AT). Also called: LOUIS-BAR SYNDROME; Cerebello-oculocutaneous telangiectasia; Immunodeficiency with ataxia telangiectasia; Ataxia telangiectasia (A-T); Ataxia-telangiectasia, complementation group D; AT, COMPLEMENTATION GROUP C. Identifiers: Orphanet 100, MedGen C0004135, MONDO:0008840, OMIM 208900.

gnomAD v4.1: 1 of 1,614,140 alleles (0.000062%); highest among the groups gnomAD compares: South Asian, 0.0011%; no homozygotes.

Submission:

Labcorp Genetics (formerly Invitae), Labcorp
Classification: Uncertain significance for Ataxia-telangiectasia syndrome. Last evaluated: 2021-03-23. Review status: criteria provided, single submitter. Criteria: Invitae Variant Classification Sherloc (09022015). Collection method: clinical testing. Allele origin: germline.
Comment: In summary, the available evidence is currently insufficient to determine the role of this variant in disease. Therefore, it has been classified as a Variant of Uncertain Significance. Algorithms developed to predict the effect of missense changes on protein structure and function (SIFT, PolyPhen-2, Align-GVGD) all suggest that this variant is likely to be tolerated, but these predictions have not been confirmed by published functional studies and their clinical significance is uncertain. This variant has not been reported in the literature in individuals with ATM-related conditions. This variant is not present in population databases (ExAC no frequency). This sequence change replaces arginine with glycine at codon 2993 of the ATM protein (p.Arg2993Gly). The arginine residue is moderately conserved and there is a moderate physicochemical difference between arginine and glycine.

NM_000051.4(ATM):c.8977C>G (p.Arg2993Gly)

Genes: ATM (ATM serine/threonine kinase; plus strand), C11orf65 (chromosome 11 open reading frame 65; minus strand). Cytogenetic location: 11q22.3.
Variant type: single nucleotide variant.
Coding change: c.8977C>G on transcript NM_000051.4 (MANE Select); coding-DNA position 8977, C replaced by G.
Protein change: p.Arg2993Gly; replaces arginine 2993 with glycine.
Molecular consequence: missense variant. On other transcripts: intron variant (2).
Genome position (GRCh38, 1-based): chr11:108,365,208, C>G. VCF-style: chr11-108365208-C-G. GRCh37 (hg19) VCF-style: chr11-108235935-C-G.
Other names: c.8977C>G, p.Arg2993Gly (NM_001351834.2); c.640+20712G>C (NM_001330368.2); c.694+20712G>C (NM_001351110.2); short protein forms R2993G.
Identifiers: ClinVar variation 1472624 (VCV001472624.8), dbSNP rs770641163, ClinGen allele CA382530433.